The following is an entry in ClinVar:

ClinVar aggregate classification (germline): Pathogenic (1 of 4 stars; one submission).

Conditions:
Retinitis pigmentosa 25 (RP25). Identifiers: Orphanet 791, MedGen C1864446, MONDO:0011272, OMIM 602772.

Submission:

Natera, Inc.
Classification: Pathogenic for Retinitis pigmentosa type 25. Last evaluated: 2024-08-01. Review status: criteria provided, single submitter. Criteria: Natera Variant Classification Schema (03/2026). Collection method: clinical testing. Allele origin: germline.
Comment: The c.2523T>A variant in EYS is a nonsense variant predicted to introduce a stop codon at amino acid 841. This variant is expected to result in nonsense mediated decay, truncation, or a dysfunctional protein product. This variant is rare in the general population with a frequency below the threshold expected for the associated phenotype(s). This variant has been observed in one or more individuals affected with the associated recessive disease, as either homozygous or compound heterozygous with a second variant (PMID: 22363543). Given the available evidence, this variant is classified as Pathogenic.

Literature cited by the submitters: PubMed 22363543.

NM_001142800.2(EYS):c.2523T>A (p.Tyr841Ter)

Gene: EYS (EGF-like photoreceptor maintenance factor; minus strand). Cytogenetic location: 6q12.
Variant type: single nucleotide variant.
Coding change: c.2523T>A on transcript NM_001142800.2 (MANE Select); coding-DNA position 2523, T replaced by A.
Protein change: p.Tyr841Ter; replaces tyrosine 841 with a stop codon.
Molecular consequence: nonsense.
Genome position (GRCh38, 1-based): chr6:64,912,602, A>T on the plus strand (T>A on the coding strand, the complement: EYS is on the minus strand). VCF-style: chr6-64912602-A-T. GRCh37 (hg19) VCF-style: chr6-65622495-A-T.
Other names: c.2523T>A, p.Tyr841Ter (NM_001292009.2); short protein forms Y841*.
Identifiers: ClinVar variation 4814621 (VCV004814621.1).